The following is an entry in ClinVar:

ClinVar aggregate classification (germline): Pathogenic (1 of 4 stars; one submission).

Submission:

Labcorp Genetics (formerly Invitae), Labcorp
Classification: Pathogenic. Last evaluated: 2023-11-15. Review status: criteria provided, single submitter. Criteria: Invitae Variant Classification Sherloc (09022015). Collection method: clinical testing. Allele origin: germline.
Comment: This sequence change creates a premature translational stop signal (p.Glu301*) in the RP2 gene. It is expected to result in an absent or disrupted protein product. Loss-of-function variants in RP2 are known to be pathogenic (PMID: 11992260, 20625056). This variant is not present in population databases (gnomAD no frequency). This variant has not been reported in the literature in individuals affected with RP2-related conditions. ClinVar contains an entry for this variant (Variation ID: 965069). Algorithms developed to predict the effect of sequence changes on RNA splicing suggest that this variant may disrupt the consensus splice site. For these reasons, this variant has been classified as Pathogenic.

Literature cited by the submitters: PubMed 11992260; PubMed 20625056.

NM_006915.3(RP2):c.901G>T (p.Glu301Ter)

Gene: RP2 (RP2 activator of ARL3 GTPase; plus strand). Cytogenetic location: Xp11.3.
Variant type: single nucleotide variant.
Coding change: c.901G>T on transcript NM_006915.3 (MANE Select); coding-DNA position 901, G replaced by T.
Protein change: p.Glu301Ter; replaces glutamic acid 301 with a stop codon.
Molecular consequence: nonsense.
Genome position (GRCh38, 1-based): chrX:46,877,522, G>T. VCF-style: chrX-46877522-G-T. GRCh37 (hg19) VCF-style: chrX-46736957-G-T.
Other names: short protein forms E301*.
Identifiers: ClinVar variation 965069 (VCV000965069.7), dbSNP rs1925390218, ClinGen allele CA413036185.
Genomic context (GRCh38, chrX:46,877,522, plus strand): 5'-TTTGTATTTGTGTTAAGAAAATGTTTCTTGGGTTTGCTTATAGGTCCTGTTATTGCCTTG[G>T]AGTTTAATGGGGATGGTGCTGTAGAAGTATGTCAACTTATTGTAAACGAGATATTCAATG-3'